The following is an entry in ClinVar:

NM_000021.4(PSEN1):c.*313C>A

Gene: PSEN1 (presenilin 1; plus strand). Cytogenetic location: 14q24.2.
Variant type: single nucleotide variant.
Coding change: c.*313C>A on transcript NM_000021.4 (MANE Select); 313 bases downstream of the stop codon, C replaced by A.
Molecular consequence: 3 prime UTR variant.
Genome position (GRCh38, 1-based): chr14:73,219,602, C>A. VCF-style: chr14-73219602-C-A. GRCh37 (hg19) VCF-style: chr14-73686310-C-A.
Other names: c.*313C>A (NM_007318.3).
Identifiers: ClinVar variation 313954 (VCV000313954.7), dbSNP rs362384, ClinGen allele CA10640733.

ClinVar aggregate classification (germline): Benign/Likely benign. Review status: criteria provided, multiple submitters, no conflicts (2 of 4 stars). 4 submissions from 3 submitters: Benign (2); Likely benign (2). Last evaluated 2021-05-15.

Conditions:
Dilated cardiomyopathy 1U. Identifiers: Orphanet 154, MedGen C3160720, MONDO:0013371, OMIM 613694.
Alzheimer disease 3 (AD3). Also called: ALZHEIMER DISEASE, FAMILIAL, 3. Identifiers: Orphanet 1020, MedGen C1843013, MONDO:0011913, OMIM 607822.

Allele frequency attached by ClinVar (database versions not stated): 1000 Genomes Project 0.04493; 1000 Genomes Project 30x 0.04560; TOPMed 0.07949; gnomAD 0.08161.
gnomAD v4.1: 29,069 of 389,528 alleles (7.5%); highest among the groups gnomAD compares: African/African-American, 9.5%; 1,245 homozygotes.

Submissions (4):

GeneDx
Classification: Benign. Last evaluated: 2021-05-15. Review status: criteria provided, single submitter. Criteria: GeneDx Variant Classification Process June 2021. Collection method: clinical testing. Allele origin: germline. Affected: yes.

Illumina Laboratory Services, Illumina
Classification: Benign for Alzheimer disease 3. Last evaluated: 2018-01-13. Review status: criteria provided, single submitter. Criteria: ICSL Variant Classification Criteria 13 December 2019. Collection method: clinical testing. Allele origin: germline.
Comment: This variant was observed in the ICSL laboratory as part of a predisposition screen in an ostensibly healthy population. It had not been previously curated by ICSL or reported in the Human Gene Mutation Database (HGMD: prior to June 1st, 2018), and was therefore a candidate for classification through an automated scoring system. Utilizing variant allele frequency, disease prevalence and penetrance estimates, and inheritance mode, an automated score was calculated to assess if this variant is too frequent to cause the disease. Based on the score and internal cut-off values, a variant classified as benign is not then subjected to further curation. The score for this variant resulted in a classification of benign for this disease.

Illumina Laboratory Services, Illumina
Classification: Likely benign for Dilated cardiomyopathy 1U. Last evaluated: 2018-01-13. Review status: criteria provided, single submitter. Criteria: ICSL Variant Classification Criteria 13 December 2019. Collection method: clinical testing. Allele origin: germline.
Comment: This variant was observed in the ICSL laboratory as part of a predisposition screen in an ostensibly healthy population. It had not been previously curated by ICSL or reported in the Human Gene Mutation Database (HGMD: prior to June 1st, 2018), and was therefore a candidate for classification through an automated scoring system. Utilizing variant allele frequency, disease prevalence and penetrance estimates, and inheritance mode, an automated score was calculated to assess if this variant is too frequent to cause the disease. Based on the score and internal cut-off values, a variant classified as likely benign is not then subjected to further curation. The score for this variant resulted in a classification of likely benign for this disease.

Breakthrough Genomics
Classification: Likely benign. Review status: criteria provided, single submitter. Criteria: ACMG Guidelines, 2015. Collection method: not provided. Allele origin: germline. Inheritance: Autosomal dominant inheritance. Affected: yes.